The following is an entry in ClinVar:

NM_176880.6(NR2C2AP):c.*418G>A

Genes: NR2C2AP (nuclear receptor 2C2 associated protein; minus strand), RFXANK (regulatory factor X associated ankyrin containing protein; plus strand). Cytogenetic location: 19p13.11.
Variant type: single nucleotide variant.
Coding change: c.*418G>A on transcript NM_176880.6 (MANE Select); 418 bases downstream of the stop codon, G replaced by A.
Molecular consequence: 3 prime UTR variant. On other transcripts: synonymous variant (1), intron variant (10).
Genome position (GRCh38, 1-based): chr19:19,201,507, C>T on the plus strand (G>A on the coding strand, the complement: NR2C2AP is on the minus strand). VCF-style: chr19-19201507-C-T. GRCh37 (hg19) VCF-style: chr19-19312316-C-T.
Other names: c.471G>A, p.Pro157= (NM_001300945.2); c.713-142C>T (NM_003721.4, NM_001370233.1); c.647-142C>T (NM_001278727.2, NM_001370234.1); c.644-142C>T (NM_134440.3, NM_001278728.2); c.710-142C>T (NM_001370235.1, NM_001370236.1); c.788-142C>T (NM_001370238.1); c.785-142C>T (NM_001370237.1).
Identifiers: ClinVar variation 5038556 (VCV005038556.1).

ClinVar aggregate classification (germline): Likely benign (1 of 4 stars; one submission).

gnomAD v4.1: 601 of 1,598,382 alleles (0.038%); highest among the groups gnomAD compares: Middle Eastern, 1.1%; 2 homozygotes.

Submission:

CeGaT Center for Human Genetics Tuebingen
Classification: Likely benign. Last evaluated: 2026-08-01. Review status: criteria provided, single submitter. Criteria: CeGaT Center For Human Genetics Tuebingen Variant Classification Criteria Version 2. Collection method: clinical testing. Allele origin: germline. Affected: yes. Observed: 1 variant allele.
Comment: NR2C2AP: BP4, BP7